The following is an entry in ClinVar:

NM_001195248.2(APTX):c.337A>G (p.Arg113Gly)

Gene: APTX (aprataxin; minus strand). Cytogenetic location: 9p21.1.
Variant type: single nucleotide variant.
Coding change: c.337A>G on transcript NM_001195248.2 (MANE Select); coding-DNA position 337, A replaced by G.
Protein change: p.Arg113Gly; replaces arginine 113 with glycine.
Molecular consequence: missense variant. On other transcripts: non-coding transcript variant (13), intron variant (1).
Genome position (GRCh38, 1-based): chr9:32,987,690, T>C on the plus strand (A>G on the coding strand, the complement: APTX is on the minus strand). VCF-style: chr9-32987690-T-C. GRCh37 (hg19) VCF-style: chr9-32987688-T-C.
Other names: p.R113G:AGG>GGG; c.337A>G, p.Arg113Gly (NM_001195249.2, NM_001195251.2, NM_001368995.1 and 6 more transcripts); c.175A>G, p.Arg59Gly (NM_001195250.2, NM_001195254.2, NM_001369000.1 and 1 more transcripts); c.73A>G, p.Arg25Gly (NM_001369002.1, NM_001369003.1, NM_001369004.1 and 5 more transcripts); c.267+70A>G (NM_001195252.2); short protein forms R113G, R25G, R59G.
Identifiers: ClinVar variation 214119 (VCV000214119.1), dbSNP rs749562069, ClinGen allele CA321779.

ClinVar aggregate classification (germline): Likely benign (1 of 4 stars; one submission).

Allele frequency attached by ClinVar (database versions not stated): TOPMed below 0.00001.

Submission:

GeneDx
Classification: Likely benign. Last evaluated: 2014-07-02. Review status: criteria provided, single submitter. Criteria: GeneDx Variant Classification (06012015). Collection method: clinical testing. Allele origin: germline. Affected: yes.
Comment: This variant is considered likely benign or benign based on one or more of the following criteria: it is a conservative change, it occurs at a poorly conserved position in the protein, it is predicted to be benign by multiple in silico algorithms, and/or has population frequency not consistent with disease.